The following is an entry in ClinVar:

NM_014714.4(IFT140):c.2921C>T (p.Ala974Val)

Genes: IFT140 (intraflagellar transport 140; minus strand), LOC126862260 (CDK7 strongly-dependent group 2 enhancer GRCh37_chr16:1574508-1575707; plus strand). Cytogenetic location: 16p13.3.
Variant type: single nucleotide variant.
Coding change: c.2921C>T on transcript NM_014714.4 (MANE Select); coding-DNA position 2921, C replaced by T.
Protein change: p.Ala974Val; replaces alanine 974 with valine.
Molecular consequence: missense variant.
Genome position (GRCh38, 1-based): chr16:1,524,860, G>A on the plus strand (C>T on the coding strand, the complement: IFT140 is on the minus strand). VCF-style: chr16-1524860-G-A. GRCh37 (hg19) VCF-style: chr16-1574861-G-A.
Other names: c.2921C>T (NM_014714.3); short protein forms A974V.
Identifiers: ClinVar variation 1055036 (VCV001055036.8), dbSNP rs745576178, ClinGen allele CA7813420.

ClinVar aggregate classification (germline): Uncertain significance. Review status: criteria provided, multiple submitters, no conflicts (2 of 4 stars). 4 submissions from 4 submitters: Uncertain significance (4). Last evaluated 2024-03-05.

Conditions:
Saldino-Mainzer syndrome (SRTD9). Also called: Renal dysplasia, retinal pigmentary dystrophy, cerebellar ataxia and skeletal dysplasia; SHORT-RIB THORACIC DYSPLASIA 9 WITHOUT POLYDACTYLY; short-rib thoracic dysplasia 9 with or without polydactyly; CONORENAL SYNDROME. Identifiers: Orphanet 140969, MedGen C1849437, MONDO:0009964, OMIM 266920.
Retinitis pigmentosa 80 (RP80). Identifiers: MedGen C4540439, MONDO:0054708, OMIM 617781.

Allele frequency attached by ClinVar (database versions not stated): gnomAD 0.00001; gnomAD exomes 0.00001; ExAC 0.00002; TOPMed 0.00002.
gnomAD v4.1: 19 of 1,612,980 alleles (0.0012%); highest among the groups gnomAD compares: South Asian, 0.0044%; no homozygotes.

Submissions (4):

GeneDx
Classification: Uncertain significance. Last evaluated: 2024-03-05. Review status: criteria provided, single submitter. Criteria: GeneDx Variant Classification Process June 2021. Collection method: clinical testing. Allele origin: germline. Affected: yes.
Comment: Functional studies not yet peer-reviewed suggest that A974V does not affected binding of IFT140 to other binding partners (Leonhard, 2023); In silico analysis supports that this missense variant has a deleterious effect on protein structure/function; This variant is associated with the following publications: (PMID: Leonhard2023[FunctionalStudy], 26216056)

Labcorp Genetics (formerly Invitae), Labcorp
Classification: Uncertain significance for Saldino-Mainzer syndrome. Last evaluated: 2023-11-20. Review status: criteria provided, single submitter. Criteria: Invitae Variant Classification Sherloc (09022015). Collection method: clinical testing. Allele origin: germline.
Comment: This sequence change replaces alanine, which is neutral and non-polar, with valine, which is neutral and non-polar, at codon 974 of the IFT140 protein (p.Ala974Val). This variant is present in population databases (rs745576178, gnomAD 0.007%). This missense change has been observed in individual(s) with retinitis pigmentosa (PMID: 26216056). ClinVar contains an entry for this variant (Variation ID: 1055036). Advanced modeling of protein sequence and biophysical properties (such as structural, functional, and spatial information, amino acid conservation, physicochemical variation, residue mobility, and thermodynamic stability) has been performed at Invitae for this missense variant, however the output from this modeling did not meet the statistical confidence thresholds required to predict the impact of this variant on IFT140 protein function. In summary, the available evidence is currently insufficient to determine the role of this variant in disease. Therefore, it has been classified as a Variant of Uncertain Significance.

Blueprint Genetics
Classification: Uncertain significance. Last evaluated: 2023-02-03. Review status: criteria provided, single submitter. Criteria: ACMG Guidelines, 2015. Collection method: clinical testing. Allele origin: germline.

Fulgent Genetics
Classification: Uncertain significance for Saldino-Mainzer syndrome; Retinitis pigmentosa 80. Last evaluated: 2022-02-15. Review status: criteria provided, single submitter. Criteria: ACMG Guidelines, 2015. Collection method: clinical testing. Allele origin: unknown.

Literature cited by the submitters: PubMed 26216056 (cited by Labcorp Genetics (formerly Invitae), Labcorp).